The following is an entry in ClinVar:

ClinVar aggregate classification (germline): Uncertain significance (1 of 4 stars; one submission).

Conditions:
Pierson syndrome. Also called: MICROCORIA-CONGENITAL NEPHROTIC SYNDROME. Identifiers: Orphanet 2670, MedGen C1836876, MONDO:0012184, OMIM 609049.
LAMB2-related infantile-onset nephrotic syndrome. Also called: NEPHROTIC SYNDROME, TYPE 5, WITHOUT OCULAR ABNORMALITIES; NEPHROTIC SYNDROME, TYPE 5, WITH OCULAR ABNORMALITIES; Nephrotic Syndrome, type 5. Identifiers: Orphanet 306507, MedGen C3280113, MONDO:0013621, OMIM 614199.

Allele frequency attached by ClinVar (database versions not stated): gnomAD exomes below 0.00001; gnomAD 0.00001.
gnomAD v4.1: 9 of 1,613,664 alleles (0.00056%); highest among the groups gnomAD compares: Non-Finnish European, 0.00068%; no homozygotes.

Submission:

Labcorp Genetics (formerly Invitae), Labcorp
Classification: Uncertain significance for LAMB2-related infantile-onset nephrotic syndrome; Pierson syndrome. Last evaluated: 2021-12-04. Review status: criteria provided, single submitter. Criteria: Invitae Variant Classification Sherloc (09022015). Collection method: clinical testing. Allele origin: germline.
Comment: In summary, the available evidence is currently insufficient to determine the role of this variant in disease. Therefore, it has been classified as a Variant of Uncertain Significance. Algorithms developed to predict the effect of missense changes on protein structure and function are either unavailable or do not agree on the potential impact of this missense change (SIFT: "Deleterious"; PolyPhen-2: "Possibly Damaging"; Align-GVGD: "Class C0"). This variant has not been reported in the literature in individuals affected with LAMB2-related conditions. This variant is present in population databases (rs199518288, gnomAD 0.007%). This sequence change replaces arginine, which is basic and polar, with cysteine, which is neutral and slightly polar, at codon 500 of the LAMB2 protein (p.Arg500Cys).

NM_002292.4(LAMB2):c.1498C>T (p.Arg500Cys)

Gene: LAMB2 (laminin subunit beta 2; minus strand). Cytogenetic location: 3p21.31.
Variant type: single nucleotide variant.
Coding change: c.1498C>T on transcript NM_002292.4 (MANE Select); coding-DNA position 1498, C replaced by T.
Protein change: p.Arg500Cys; replaces arginine 500 with cysteine.
Molecular consequence: missense variant.
Genome position (GRCh38, 1-based): chr3:49,129,624, G>A on the plus strand (C>T on the coding strand, the complement: LAMB2 is on the minus strand). VCF-style: chr3-49129624-G-A. GRCh37 (hg19) VCF-style: chr3-49167057-G-A.
Other names: short protein forms R500C.
Identifiers: ClinVar variation 1480242 (VCV001480242.4), dbSNP rs199518288, ClinGen allele CA74486520.